The following is an entry in ClinVar:

NM_001103.4(ACTN2):c.2211G>T (p.Glu737Asp)

Gene: ACTN2 (actinin alpha 2; plus strand). Cytogenetic location: 1q43.
Variant type: single nucleotide variant.
Coding change: c.2211G>T on transcript NM_001103.4 (MANE Select); coding-DNA position 2211, G replaced by T.
Protein change: p.Glu737Asp; replaces glutamic acid 737 with aspartic acid.
Molecular consequence: missense variant. On other transcripts: non-coding transcript variant (1).
Genome position (GRCh38, 1-based): chr1:236,757,542, G>T. VCF-style: chr1-236757542-G-T. GRCh37 (hg19) VCF-style: chr1-236920842-G-T.
Other names: c.2211G>T, p.Glu737Asp (NM_001278343.2); c.1587G>T, p.Glu529Asp (NM_001278344.2); c.1461G>T, p.Glu487Asp (NM_001412150.1); short protein forms E529D, E737D, E487D.
Identifiers: ClinVar variation 2562762 (VCV002562762.7), dbSNP rs200553726, ClinGen allele CA1473376.

ClinVar aggregate classification (germline): Conflicting classifications of pathogenicity. Review status: criteria provided, conflicting classifications (1 of 4 stars). 3 submissions from 3 submitters: Uncertain significance (2); Likely benign (1). Last evaluated 2026-01-17.

Conditions:
Cardiovascular phenotype. Identifiers: MedGen CN230736.
Primary familial hypertrophic cardiomyopathy (HCM). Identifiers: Orphanet 99739, MedGen C0949658, MeSH D024741, MONDO:0024573. Inheritance: Various modes of inheritance.
Dilated cardiomyopathy 1AA (CMD1AA). Also called: CARDIOMYOPATHY, DILATED, 1AA, WITH OR WITHOUT LEFT VENTRICULAR NONCOMPACTION; CARDIOMYOPATHY, FAMILIAL HYPERTROPHIC, 23, WITH OR WITHOUT LEFT VENTRICULAR NONCOMPACTION; Cardiomyopathy, dilated, 1AA, with or without LVNC. Identifiers: Orphanet 154, MedGen C2677338, MONDO:0012808, OMIM 612158.

Submissions (3):

Labcorp Genetics (formerly Invitae), Labcorp
Classification: Likely benign for Primary familial hypertrophic cardiomyopathy; Dilated cardiomyopathy 1AA. Last evaluated: 2026-01-17. Review status: criteria provided, single submitter. Criteria: Invitae Variant Classification Sherloc (09022015). Collection method: clinical testing. Allele origin: germline.

Dasa
Classification: Uncertain significance. Last evaluated: 2025-06-28. Review status: criteria provided, single submitter. Criteria: DASA Assertion Criteria. Collection method: clinical testing. Allele origin: germline.
Comment: NM_001103.4(ACTN2):c.2211G>T (p.Glu737Asp) is a missense variant that results in the substitution of glutamic acid with aspartic acid. This variant is rare in population databases. Computational prediction algorithms are consistent with a benign effect. The currently available literature and clinical evidence are not sufficient to establish a definitive association between this variant and the reported condition. Therefore, this variant is classified as a variant of uncertain significance.

Ambry Genetics
Classification: Uncertain significance for Cardiovascular phenotype. Last evaluated: 2023-04-24. Review status: criteria provided, single submitter. Criteria: Ambry Variant Classification Scheme 2023. Collection method: clinical testing. Allele origin: germline.
Comment: The p.E737D variant (also known as c.2211G>T), located in coding exon 18 of the ACTN2 gene, results from a G to T substitution at nucleotide position 2211. The glutamic acid at codon 737 is replaced by aspartic acid, an amino acid with highly similar properties. This amino acid position is conserved. In addition, the in silico prediction for this alteration is inconclusive. Since supporting evidence is limited at this time, the clinical significance of this alteration remains unclear.